The following is an entry in ClinVar:

NM_014714.4(IFT140):c.1490_1492del (p.Val497del)

Genes: IFT140 (intraflagellar transport 140; minus strand), LOC105371046 (uncharacterized LOC105371046; plus strand). Cytogenetic location: 16p13.3.
Variant type: Deletion.
Coding change: c.1490_1492del on transcript NM_014714.4 (MANE Select); coding-DNA positions 1490 to 1492, 3 bases deleted (TGG; older notation c.1490_1492delTGG).
Protein change: p.Val497del; deletes valine 497.
Molecular consequence: inframe deletion.
Genome position (GRCh38, 1-based): chr16:1,580,791-1,580,793, CCA deleted on the plus strand (TGG on the coding strand, the reverse complement: IFT140 is on the minus strand); deleting any 3 consecutive bases within chr16:1,580,791-1,580,795 gives the same sequence; the c. name uses the placement nearest the transcript's 3' end. VCF-style (leftmost placement, unchanged base first): chr16-1580790-TCCA-T. GRCh37 (hg19) VCF-style: chr16-1630791-TCCA-T.
Other names: short protein forms V497del.
Identifiers: ClinVar variation 4531524 (VCV004531524.1).

ClinVar aggregate classification (germline): Uncertain significance (1 of 4 stars; one submission).

Conditions:
Renal cyst. Also called: Cystic kidney disease; Renal cysts; cystic kidneys. Identifiers: MedGen C3887499, MONDO:0002473, HP:0000107.

Submission:

Victorian Clinical Genetics Services, Murdoch Childrens Research Institute
Classification: Uncertain significance for Renal cyst. Last evaluated: 2025-11-07. Review status: criteria provided, single submitter. Criteria: ACMG Guidelines, 2015. Collection method: clinical testing. Allele origin: germline. Affected: yes.
Comment: This variant is classified as VUS-3C. Evidence in support of pathogenic classification: In-frame insertion/deletion in a non-repetitive region that has high conservation; Variant is present in gnomAD <0.01 (v4: 4 heterozygote(s), 0 homozygote(s)). Additional information: This variant is heterozygous; This gene is associated with both recessive and dominant disease. Retinitis pigmentosa 80 (MIM#617781), short-rib thoracic dysplasia 9 with or without polydactyly (MIM#266920) and cranioectodermal dysplasia 5 (MIM#621180) are inherited in an autosomal recessive manner, while cystic kidney disease (MONDO:0002473), IFT140-related, is inherited in an autosomal dominant manner (OMIM, PMID: 34890546); This variant has no previous evidence of pathogenicity; No published evidence of segregation with disease has been identified for this variant; No published functional evidence has been identified for this variant; No comparable deletion variants have previous evidence for pathogenicity; Variant is located in the annotated IFT140 second beta-propeller domain (DECIPHER); Loss of function is a known mechanism of disease in this gene and is associated with retinitis pigmentosa 80 (MIM#617781), short-rib thoracic dysplasia 9 with or without polydactyly (MIM#266920), cranioectodermal dysplasia 5 (MIM#621180) and cystic kidney disease (MONDO:0002473), IFT140-related (PMID: 34890546); The dominant condition associated with this gene may have incomplete penetrance. Parents of children with short-rib thoracic dysplasia 9 with or without polydactyly who carry a single pathogenic variant that has also previously been associated with the dominant cystic kidney disease phenotype have been reported as unaffected (PMID: 34890546). However, these parents weren't specifically assessed for cystic kidney disease; Inheritance information for this variant is not currently available in this individual.

Literature cited by the submitters: PubMed 34890546.